The following is an entry in ClinVar:

NM_001267550.2(TTN):c.15063A>C (p.Glu5021Asp)

Gene: TTN (titin; minus strand). Cytogenetic location: 2q31.2.
Variant type: single nucleotide variant.
Coding change: c.15063A>C on transcript NM_001267550.2 (MANE Select); coding-DNA position 15063, A replaced by C.
Protein change: p.Glu5021Asp; replaces glutamic acid 5021 with aspartic acid.
Molecular consequence: missense variant. On other transcripts: intron variant (3).
Genome position (GRCh38, 1-based): chr2:178,734,861, T>G on the plus strand (A>C on the coding strand, the complement: TTN is on the minus strand). VCF-style: chr2-178734861-T-G. GRCh37 (hg19) VCF-style: chr2-179599588-T-G.
Other names: c.14112A>C, p.Glu4704Asp (NM_001256850.1); c.13282+3221A>C (NM_003319.4); c.13858+3221A>C (NM_133437.4); c.13657+3221A>C (NM_133432.3); c.11331A>C, p.Glu3777Asp (NM_133378.4); short protein forms E3777D, E5021D, E4704D.
Identifiers: ClinVar variation 166221 (VCV000166221.6), dbSNP rs727503651, ClinGen allele CA178991.

ClinVar aggregate classification (germline): Uncertain significance. Review status: criteria provided, multiple submitters, no conflicts (2 of 4 stars). 2 submissions from 2 submitters: Uncertain significance (2). Last evaluated 2026-06-26.

Conditions:
TTN-related disorder. Also called: TTN-related condition; TTN-related disease; TTN-related disorders.

Allele frequency attached by ClinVar (database versions not stated): gnomAD 0.00001; gnomAD exomes 0.00001 and 0.00003; ExAC 0.00002; TOPMed 0.00004.
gnomAD v4.1: 11 of 1,613,594 alleles (0.00068%); highest among the groups gnomAD compares: Admixed American, 0.015%; no homozygotes.

Submissions (2):

PreventionGenetics, part of Exact Sciences
Classification: Uncertain significance for TTN-related condition. Last evaluated: 2026-06-26. Review status: criteria provided, single submitter. Criteria: ACMG Guidelines, 2015. Collection method: clinical testing. Allele origin: germline.
Comment: The TTN c.15063A>C variant is predicted to result in the amino acid substitution p.Glu5021Asp. To our knowledge, this variant has not been reported in the literature. This variant is reported in 0.020% of alleles in individuals of Latino descent in gnomAD. At this time, the clinical significance of this variant is uncertain due to the absence of conclusive functional and genetic evidence.

Laboratory for Molecular Medicine, Mass General Brigham Personalized Medicine
Classification: Uncertain significance. Last evaluated: 2014-05-09. Review status: criteria provided, single submitter. Criteria: LMM Criteria. Collection method: clinical testing. Allele origin: germline. Observed: 1 variant allele.
Comment: The Glu3777Asp variant in TTN has not been previously reported in individual wit h cardiomyopathy or in large population studies. Computational prediction tools and conservation analysis are uninformative. In summary, the clinical significan ce of the Glu3777Asp variant is uncertain.